The following is an entry in ClinVar:

NM_019032.6(ADAMTSL4):c.434+1G>A

Genes: ADAMTSL4 (ADAMTS like 4; plus strand), ADAMTSL4-AS2 (ADAMTSL4 antisense RNA 2; minus strand). Cytogenetic location: 1q21.2.
Variant type: single nucleotide variant.
Coding change: c.434+1G>A on transcript NM_019032.6 (MANE Select); the canonical splice donor site of the intron after coding-DNA position 434, G replaced by A.
Molecular consequence: splice donor variant.
Genome position (GRCh38, 1-based): chr1:150,553,254, G>A. VCF-style: chr1-150553254-G-A. GRCh37 (hg19) VCF-style: chr1-150525730-G-A.
Other names: c.434+1G>A (NM_001288608.2, NM_001288607.2, NM_001378596.1 and 1 more transcripts).
Identifiers: ClinVar variation 4696190 (VCV004696190.1), dbSNP rs1671623546.
Genomic context (GRCh38, chr1:150,553,254, plus strand): 5'-TCGAGGTCCCGCTTCCCACCTAGGGAGAGAGGAGACCCAGGAGATTCGAGCGGCCAGGAG[G>A]TGAGAGGCCTGGGTGGAAGAGGTGGGCCTTGGGCAAGGTGGGGGCTTAGCATGAAGGAAA-3'

ClinVar aggregate classification (germline): Likely pathogenic (1 of 4 stars; one submission).

gnomAD v4.1: 3 of 1,610,446 alleles (0.00019%); highest among the groups gnomAD compares: Non-Finnish European, 0.00025%; no homozygotes.

Submission:

Labcorp Genetics (formerly Invitae), Labcorp
Classification: Likely pathogenic. Last evaluated: 2025-05-06. Review status: criteria provided, single submitter. Criteria: Invitae Variant Classification Sherloc (09022015). Collection method: clinical testing. Allele origin: germline.
Comment: This sequence change affects a donor splice site in intron 5 of the ADAMTSL4 gene. It is expected to disrupt RNA splicing. Variants that disrupt the donor or acceptor splice site typically lead to a loss of protein function (PMID: 16199547), and loss-of-function variants in ADAMTSL4 are known to be pathogenic (PMID: 20564469, 28642162). This variant is not present in population databases (gnomAD no frequency). This variant has not been reported in the literature in individuals affected with ADAMTSL4-related conditions. Algorithms developed to predict the effect of sequence changes on RNA splicing suggest that this variant may disrupt the consensus splice site. In summary, the currently available evidence indicates that the variant is pathogenic, but additional data are needed to prove that conclusively. Therefore, this variant has been classified as Likely Pathogenic.

Literature cited by the submitters: PubMed 16199547; PubMed 20564469; PubMed 28642162.